The following is an entry in ClinVar:

ClinVar aggregate classification (germline): Uncertain significance (1 of 4 stars; one submission).

Submission:

Labcorp Genetics (formerly Invitae), Labcorp
Classification: Uncertain significance. Last evaluated: 2022-06-19. Review status: criteria provided, single submitter. Criteria: Invitae Variant Classification Sherloc (09022015). Collection method: clinical testing. Allele origin: germline.
Comment: In summary, the available evidence is currently insufficient to determine the role of this variant in disease. Therefore, it has been classified as a Variant of Uncertain Significance. Algorithms developed to predict the effect of missense changes on protein structure and function are either unavailable or do not agree on the potential impact of this missense change (SIFT: "Tolerated"; PolyPhen-2: "Probably Damaging"; Align-GVGD: "Class C0"). This sequence change replaces alanine, which is neutral and non-polar, with glutamic acid, which is acidic and polar, at codon 307 of the SEMA4A protein (p.Ala307Glu). This variant is not present in population databases (gnomAD no frequency). This variant has not been reported in the literature in individuals affected with SEMA4A-related conditions.

NM_022367.4(SEMA4A):c.920C>A (p.Ala307Glu)

Gene: SEMA4A (semaphorin 4A; plus strand). Cytogenetic location: 1q22.
Variant type: single nucleotide variant.
Coding change: c.920C>A on transcript NM_022367.4 (MANE Select); coding-DNA position 920, C replaced by A.
Protein change: p.Ala307Glu; replaces alanine 307 with glutamic acid.
Molecular consequence: missense variant.
Genome position (GRCh38, 1-based): chr1:156,161,455, C>A. VCF-style: chr1-156161455-C-A. GRCh37 (hg19) VCF-style: chr1-156131246-C-A.
Other names: c.920C>A, p.Ala307Glu (NM_001193300.2, NM_001193301.2, NM_001370567.1); c.524C>A, p.Ala175Glu (NM_001193302.2); c.623C>A, p.Ala208Glu (NM_001370568.1); c.413C>A, p.Ala138Glu (NM_001370569.1, NM_001370571.1); short protein forms A307E, A138E, A175E, A208E.
Identifiers: ClinVar variation 2008371 (VCV002008371.4), dbSNP rs2528176306, ClinGen allele CA342839455.